The following is an entry in ClinVar:

NM_001621.5(AHR):c.929A>G (p.Tyr310Cys)

Gene: AHR (aryl hydrocarbon receptor; plus strand). Cytogenetic location: 7p21.1.
Variant type: single nucleotide variant.
Coding change: c.929A>G on transcript NM_001621.5 (MANE Select); coding-DNA position 929, A replaced by G.
Protein change: p.Tyr310Cys; replaces tyrosine 310 with cysteine.
Molecular consequence: missense variant.
Genome position (GRCh38, 1-based): chr7:17,334,907, A>G. VCF-style: chr7-17334907-A-G. GRCh37 (hg19) VCF-style: chr7-17374531-A-G.
Other names: short protein forms Y310C.
Identifiers: ClinVar variation 2109054 (VCV002109054.4), dbSNP rs1266055543, ClinGen allele CA366892435.

ClinVar aggregate classification (germline): Uncertain significance (1 of 4 stars; one submission).

Allele frequency attached by ClinVar (database versions not stated): gnomAD exomes below 0.00001.
gnomAD v4.1: 2 of 1,611,606 alleles (0.00012%); no homozygotes.

Submission:

Labcorp Genetics (formerly Invitae), Labcorp
Classification: Uncertain significance. Last evaluated: 2022-10-13. Review status: criteria provided, single submitter. Criteria: Invitae Variant Classification Sherloc (09022015). Collection method: clinical testing. Allele origin: germline.
Comment: This variant is present in population databases (no rsID available, gnomAD 0.004%). This sequence change replaces tyrosine, which is neutral and polar, with cysteine, which is neutral and slightly polar, at codon 310 of the AHR protein (p.Tyr310Cys). This variant has not been reported in the literature in individuals affected with AHR-related conditions. In summary, the available evidence is currently insufficient to determine the role of this variant in disease. Therefore, it has been classified as a Variant of Uncertain Significance. Algorithms developed to predict the effect of missense changes on protein structure and function (SIFT, PolyPhen-2, Align-GVGD) all suggest that this variant is likely to be disruptive.